The following is an entry in ClinVar:

NM_001734.5(C1S):c.989G>A (p.Gly330Glu)

Gene: C1S (complement C1s; plus strand). Cytogenetic location: 12p13.31.
Variant type: single nucleotide variant.
Coding change: c.989G>A on transcript NM_001734.5 (MANE Select); coding-DNA position 989, G replaced by A.
Protein change: p.Gly330Glu; replaces glycine 330 with glutamic acid.
Molecular consequence: missense variant.
Genome position (GRCh38, 1-based): chr12:7,067,040, G>A. VCF-style: chr12-7067040-G-A. GRCh37 (hg19) VCF-style: chr12-7174344-G-A.
Other names: c.488G>A, p.Gly163Glu (NM_001346850.2); c.989G>A, p.Gly330Glu (NM_201442.4); short protein forms G330E, G163E.
Identifiers: ClinVar variation 2968780 (VCV002968780.3), dbSNP rs782408925, ClinGen allele CA6423642.

ClinVar aggregate classification (germline): Uncertain significance (1 of 4 stars; one submission).

Allele frequency attached by ClinVar (database versions not stated): gnomAD exomes below 0.00001; TOPMed below 0.00001; ExAC 0.00001.

Submission:

Labcorp Genetics (formerly Invitae), Labcorp
Classification: Uncertain significance. Last evaluated: 2023-03-03. Review status: criteria provided, single submitter. Criteria: Invitae Variant Classification Sherloc (09022015). Collection method: clinical testing. Allele origin: germline.
Comment: In summary, the available evidence is currently insufficient to determine the role of this variant in disease. Therefore, it has been classified as a Variant of Uncertain Significance. An algorithm developed to predict the effect of missense changes on protein structure and function (PolyPhen-2) suggests that this variant is likely to be tolerated. This variant has not been reported in the literature in individuals affected with C1S-related conditions. This variant is present in population databases (rs782408925, gnomAD 0.01%). This sequence change replaces glycine, which is neutral and non-polar, with glutamic acid, which is acidic and polar, at codon 330 of the C1S protein (p.Gly330Glu).